The following is an entry in ClinVar:

ClinVar aggregate classification (germline): Benign (0 of 4 stars; one submission).

Conditions:
ATAD5-related disorder. Also called: ATAD5-related condition.

Allele frequency attached by ClinVar (database versions not stated): 1000 Genomes Project 0.01078; 1000 Genomes Project 30x 0.01109; TOPMed 0.02241; gnomAD 0.02434; ExAC 0.02682; ESP Exome Variant Server 0.02806; gnomAD exomes 0.03336.
gnomAD v4.1: 52,049 of 1,613,966 alleles (3.2%); highest among the groups gnomAD compares: Non-Finnish European, 3.8%; 1,000 homozygotes.

Submission:

PreventionGenetics, part of Exact Sciences
Classification: Benign for ATAD5-related condition. Last evaluated: 2019-07-29. Review status: no assertion criteria provided. Collection method: clinical testing. Allele origin: germline.
Comment: This variant is classified as benign based on ACMG/AMP sequence variant interpretation guidelines (Richards et al. 2015 PMID: 25741868, with internal and published modifications).

NM_024857.5(ATAD5):c.1113T>G (p.Val371=)

Gene: ATAD5 (ATPase family AAA domain containing 5; plus strand). Cytogenetic location: 17q11.2.
Variant type: single nucleotide variant.
Coding change: c.1113T>G on transcript NM_024857.5 (MANE Select); coding-DNA position 1113, T replaced by G.
Protein change: p.Val371=; no amino-acid change (valine 371 retained).
Molecular consequence: synonymous variant.
Genome position (GRCh38, 1-based): chr17:30,835,194, T>G. VCF-style: chr17-30835194-T-G. GRCh37 (hg19) VCF-style: chr17-29162212-T-G.
Identifiers: ClinVar variation 3039226 (VCV003039226.2), dbSNP rs78909753, ClinGen allele CA8483592.